The following is an entry in ClinVar:

NM_000540.3(RYR1):c.14130-19TC[5]

Gene: RYR1 (ryanodine receptor 1; plus strand). Cytogenetic location: 19q13.2.
Variant type: Microsatellite.
Coding change: c.14130-19TC[5] on transcript NM_000540.3 (MANE Select); five copies in a row of the 2-base unit TC starting at c.14130-19.
Molecular consequence: intron variant.
Genome position: GRCh38 VCF-style: chr19-38575899-TTCTC-T. GRCh37 (hg19) VCF-style: chr19-39066539-TTCTC-T.
Other names: c.14130-8_14130-5delCTCT (NM_000540.2); c.14115-19TC[5] (NM_001042723.2).
Identifiers: ClinVar variation 256440 (VCV000256440.33), dbSNP rs750824483, ClinGen allele CA081096.

ClinVar aggregate classification (germline): Likely benign. Review status: criteria provided, multiple submitters, no conflicts (2 of 4 stars). 3 submissions from 3 submitters: Likely benign (3). Last evaluated 2026-01-12.

Conditions:
RYR1-related disorder. Also called: RYR1-related disorders; RYR1-related condition. Identifiers: MedGen CN239331.

Submissions (3):

Labcorp Genetics (formerly Invitae), Labcorp
Classification: Likely benign for RYR1-related disorder. Last evaluated: 2026-01-12. Review status: criteria provided, single submitter. Criteria: Invitae Variant Classification Sherloc (09022015). Collection method: clinical testing. Allele origin: germline.

CeGaT Center for Human Genetics Tuebingen
Classification: Likely benign. Last evaluated: 2022-09-01. Review status: criteria provided, single submitter. Criteria: CeGaT Center For Human Genetics Tuebingen Variant Classification Criteria Version 2. Collection method: clinical testing. Allele origin: germline. Affected: yes. Observed: 1 variant allele.
Comment: RYR1: BP4, BS1

PreventionGenetics, part of Exact Sciences
Classification: Likely benign. Review status: criteria provided, single submitter. Criteria: ACMG Guidelines, 2015. Collection method: clinical testing. Allele origin: germline.